The following is an entry in ClinVar:

NM_001378418.1(TCF20):c.3521G>T (p.Gly1174Val)

Gene: TCF20 (transcription factor 20; minus strand). Cytogenetic location: 22q13.2.
Variant type: single nucleotide variant.
Coding change: c.3521G>T on transcript NM_001378418.1 (MANE Select); coding-DNA position 3521, G replaced by T.
Protein change: p.Gly1174Val; replaces glycine 1174 with valine.
Molecular consequence: missense variant.
Genome position (GRCh38, 1-based): chr22:42,211,785, C>A on the plus strand (G>T on the coding strand, the complement: TCF20 is on the minus strand). VCF-style: chr22-42211785-C-A. GRCh37 (hg19) VCF-style: chr22-42607791-C-A.
Other names: c.3521G>T, p.Gly1174Val (NM_005650.4, NM_181492.3); short protein forms G1174V.
Identifiers: ClinVar variation 2573549 (VCV002573549.1), dbSNP rs1261058730, ClinGen allele CA411786311.

ClinVar aggregate classification (germline): Uncertain significance (1 of 4 stars; one submission).

Allele frequency attached by ClinVar (database versions not stated): gnomAD exomes below 0.00001; gnomAD 0.00001; TOPMed 0.00002.
gnomAD v4.1: 2 of 1,614,094 alleles (0.00012%); highest among the groups gnomAD compares: Non-Finnish European, 0.00017%; no homozygotes.

Submission:

Women's Health and Genetics/Laboratory Corporation of America, LabCorp
Classification: Uncertain significance. Last evaluated: 2023-06-22. Review status: criteria provided, single submitter. Criteria: LabCorp Variant Classification Summary - May 2015. Collection method: clinical testing. Allele origin: germline.
Comment: Variant summary: TCF20 c.3521G>T (p.Gly1174Val) results in a non-conservative amino acid change in the encoded protein sequence. Three of five in-silico tools predict a benign effect of the variant on protein function. The variant was absent in 251490 control chromosomes (gnomAD). The available data on variant occurrences in the general population are insufficient to allow any conclusion about variant significance. To our knowledge, no occurrence of c.3521G>T in individuals affected with Developmental Delay With Variable Intellectual Impairment And Behavioral Abnormalities and no experimental evidence demonstrating its impact on protein function have been reported. No submitters have cited clinical-significance assessments for this variant to ClinVar after 2014. Based on the evidence outlined above, the variant was classified as uncertain significance.